The following is an entry in ClinVar:

ClinVar aggregate classification (germline): Benign/Likely benign. Review status: criteria provided, multiple submitters, no conflicts (2 of 4 stars). 7 submissions from 7 submitters: Benign (2); Likely benign (3). 2 of the submissions do not count toward it. Last evaluated 2026-09-01.

Conditions:
Aspartylglucosaminuria (AGU). Also called: GLYCOASPARAGINASE; GLYCOSYLASPARAGINASE DEFICIENCY; Aspartylglucos-aminuria; Aspartylglucos-amidase (AGA) deficiency; AGA DEFICIENCY. Identifiers: Orphanet 93, MedGen C0268225, MONDO:0008830, OMIM 208400, HP:0012068.
AGA-related disorder. Also called: AGA-related condition.

Allele frequency attached by ClinVar (database versions not stated): 1000 Genomes Project 30x 0.00156; 1000 Genomes Project 0.00180; TOPMed 0.00643; ESP Exome Variant Server 0.00830; gnomAD 0.00843 and 0.00896; ExAC 0.00958; gnomAD exomes 0.00981 and 0.01050.
gnomAD v4.1: 16,413 of 1,610,468 alleles (1%); highest among the groups gnomAD compares: Non-Finnish European, 1.1%; 124 homozygotes.

Submissions (7):

CeGaT Center for Human Genetics Tuebingen
Classification: Benign. Last evaluated: 2026-09-01. Review status: criteria provided, single submitter. Criteria: CeGaT Center For Human Genetics Tuebingen Variant Classification Criteria Version 2. Collection method: clinical testing. Allele origin: germline. Affected: yes. Observed: 18 variant alleles.
Comment: AGA: BS1, BS2

Labcorp Genetics (formerly Invitae), Labcorp
Classification: Benign for Aspartylglucosaminuria. Last evaluated: 2026-02-03. Review status: criteria provided, single submitter. Criteria: Invitae Variant Classification Sherloc (09022015). Collection method: clinical testing. Allele origin: germline.

Genomic Medicine Center of Excellence, King Faisal Specialist Hospital and Research Centre
Classification: Likely benign. Last evaluated: 2025-08-18. Review status: criteria provided, single submitter. Criteria: ACMG Guidelines, 2015. Collection method: clinical testing. Allele origin: germline.

Illumina Laboratory Services, Illumina
Classification: Likely benign for Aspartylglucosaminuria. Last evaluated: 2018-01-13. Review status: criteria provided, single submitter. Criteria: ICSL Variant Classification Criteria 13 December 2019. Collection method: clinical testing. Allele origin: germline.
Comment: This variant was observed in the ICSL laboratory as part of a predisposition screen in an ostensibly healthy population. It had not been previously curated by ICSL or reported in the Human Gene Mutation Database (HGMD: prior to June 1st, 2018), and was therefore a candidate for classification through an automated scoring system. Utilizing variant allele frequency, disease prevalence and penetrance estimates, and inheritance mode, an automated score was calculated to assess if this variant is too frequent to cause the disease. Based on the score and internal cut-off values, a variant classified as likely benign is not then subjected to further curation. The score for this variant resulted in a classification of likely benign for this disease.

Breakthrough Genomics
Classification: Likely benign. Review status: criteria provided, single submitter. Criteria: ACMG Guidelines, 2015. Collection method: not provided. Allele origin: germline. Inheritance: Autosomal recessive inheritance. Affected: yes.

Natera, Inc.
Classification: Likely benign for Aspartylglucosaminuria. Last evaluated: 2019-12-02. Review status: no assertion criteria provided. Collection method: clinical testing. Allele origin: germline. Not counted in ClinVar's aggregate classification.

PreventionGenetics, part of Exact Sciences
Classification: Benign for AGA-related condition. Last evaluated: 2019-06-10. Review status: no assertion criteria provided. Collection method: clinical testing. Allele origin: germline. Not counted in ClinVar's aggregate classification.
Comment: This variant is classified as benign based on ACMG/AMP sequence variant interpretation guidelines (Richards et al. 2015 PMID: 25741868, with internal and published modifications).

NM_000027.4(AGA):c.313C>A (p.Leu105Ile)

Gene: AGA (aspartylglucosaminidase; minus strand). Cytogenetic location: 4q34.3.
Variant type: single nucleotide variant.
Coding change: c.313C>A on transcript NM_000027.4 (MANE Select); coding-DNA position 313, C replaced by A.
Protein change: p.Leu105Ile; replaces leucine 105 with isoleucine.
Molecular consequence: missense variant. On other transcripts: non-coding transcript variant (1).
Genome position (GRCh38, 1-based): chr4:177,439,657, G>T on the plus strand (C>A on the coding strand, the complement: AGA is on the minus strand). VCF-style: chr4-177439657-G-T. GRCh37 (hg19) VCF-style: chr4-178360811-G-T.
Other names: c.313C>A, p.Leu105Ile (NM_001171988.2); short protein forms L105I.
Identifiers: ClinVar variation 529230 (VCV000529230.45), dbSNP rs76491548, ClinGen allele CA3146955.